The following is an entry in ClinVar:

NM_001384317.1(ZHX3):c.688C>T (p.His230Tyr)

Gene: ZHX3 (zinc fingers and homeoboxes 3; minus strand). Cytogenetic location: 20q12.
Variant type: single nucleotide variant.
Coding change: c.688C>T on transcript NM_001384317.1 (MANE Select); coding-DNA position 688, C replaced by T.
Protein change: p.His230Tyr; replaces histidine 230 with tyrosine.
Molecular consequence: missense variant.
Genome position (GRCh38, 1-based): chr20:41,204,229, G>A on the plus strand (C>T on the coding strand, the complement: ZHX3 is on the minus strand). VCF-style: chr20-41204229-G-A. GRCh37 (hg19) VCF-style: chr20-39832869-G-A.
Other names: c.688C>T, p.His230Tyr (NM_001384315.1, NM_001384316.1, NM_001384318.1 and 8 more transcripts); short protein forms H230Y.
Identifiers: ClinVar variation 4722617 (VCV004722617.1).

ClinVar aggregate classification (germline): Uncertain significance (1 of 4 stars; one submission).

Submission:

Labcorp Genetics (formerly Invitae), Labcorp
Classification: Uncertain significance. Last evaluated: 2025-07-03. Review status: criteria provided, single submitter. Criteria: Invitae Variant Classification Sherloc (09022015). Collection method: clinical testing. Allele origin: germline.
Comment: This sequence change replaces histidine, which is basic and polar, with tyrosine, which is neutral and polar, at codon 230 of the ZHX3 protein (p.His230Tyr). This variant is not present in population databases (gnomAD no frequency). This variant has not been reported in the literature in individuals affected with ZHX3-related conditions. An algorithm developed to predict the effect of missense changes on protein structure and function (PolyPhen-2) suggests that this variant is likely to be tolerated. In summary, the available evidence is currently insufficient to determine the role of this variant in disease. Therefore, it has been classified as a Variant of Uncertain Significance.